The following is an entry in ClinVar:

ClinVar aggregate classification (germline): Benign. Review status: criteria provided, multiple submitters, no conflicts (2 of 4 stars). 2 submissions from 2 submitters: Benign (2). Last evaluated 2018-06-14.

Allele frequency attached by ClinVar (database versions not stated): gnomAD 0.42782 and 0.43071; ESP Exome Variant Server 0.44045; gnomAD exomes 0.26139 and 0.32640; ExAC 0.33885; TOPMed 0.44794; 1000 Genomes Project 0.50437; 1000 Genomes Project 30x 0.51509.

Submissions (2):

GeneDx
Classification: Benign. Last evaluated: 2018-06-14. Review status: criteria provided, single submitter. Criteria: GeneDx Variant Classification (06012015). Collection method: clinical testing. Allele origin: germline. Affected: yes.
Comment: This variant is considered likely benign or benign based on one or more of the following criteria: it is a conservative change, it occurs at a poorly conserved position in the protein, it is predicted to be benign by multiple in silico algorithms, and/or has population frequency not consistent with disease.

Breakthrough Genomics
Classification: Benign. Review status: criteria provided, single submitter. Criteria: ACMG Guidelines, 2015. Collection method: not provided. Allele origin: germline. Inheritance: X-linked inheritance. Affected: yes.

NM_001110556.2(FLNA):c.7024-39T>C

Gene: FLNA (filamin A; minus strand). Cytogenetic location: Xq28.
Variant type: single nucleotide variant.
Coding change: c.7024-39T>C on transcript NM_001110556.2 (MANE Select); 39 bases into the intron before coding-DNA position 7024, T replaced by C.
Molecular consequence: intron variant.
Genome position (GRCh38, 1-based): chrX:154,351,080, A>G on the plus strand (T>C on the coding strand, the complement: FLNA is on the minus strand). VCF-style: chrX-154351080-A-G. GRCh37 (hg19) VCF-style: chrX-153579448-A-G.
Other names: c.7000-39T>C (NM_001456.4).
Identifiers: ClinVar variation 670955 (VCV000670955.2), dbSNP rs2070822, ClinGen allele CA10559964.